The following is an entry in ClinVar:

NM_000202.8(IDS):c.667dup (p.Val223fs)

Genes: IDS (iduronate 2-sulfatase; minus strand), LOC106050102 (IDS recombination region; plus strand). Cytogenetic location: Xq28.
Variant type: Duplication.
Coding change: c.667dup on transcript NM_000202.8 (MANE Select); coding-DNA position 667, one base duplicated (G; older notation c.667dupG).
Protein change: p.Val223fs; shifts the reading frame from valine 223.
Molecular consequence: frameshift variant. On other transcripts: non-coding transcript variant (1).
Genome position (GRCh38, 1-based): chrX:149,498,148, C duplicated on the plus strand (G on the coding strand, the reverse complement: IDS is on the minus strand). VCF-style (leftmost placement, unchanged base first): chrX-149498147-A-AC. GRCh37 (hg19) VCF-style: chrX-148579678-A-AC.
Other names: c.397dup, p.Val133fs (NM_001166550.4); c.667dup, p.Val223fs (NM_006123.5); short protein forms V133fs, V223fs.
Identifiers: ClinVar variation 5011882 (VCV005011882.1).

ClinVar aggregate classification (germline): Pathogenic (1 of 4 stars; one submission).

Conditions:
Mucopolysaccharidosis, MPS-II (MPS2). Also called: Attenuated MPS (subtype; formerly known as mild MPS II); Severe MPS II; I2S deficiency; MPS 2; Hunter Syndrome; IDURONATE 2-SULFATASE DEFICIENCY. Identifiers: Orphanet 580, Orphanet 79388, MedGen C0026705, MONDO:0010674, OMIM 309900.

Submission:

Myriad Genetics, Inc.
Classification: Pathogenic for Mucopolysaccharidosis, MPS-II. Last evaluated: 2023-09-27. Review status: criteria provided, single submitter. Criteria: Myriad Autosomal Dominant, Autosomal Recessive and X-Linked Classification Criteria (2023). Collection method: clinical testing. Allele origin: unknown.
Comment: NM_000202.5(IDS):c.667dupG(V223Gfs*5) is expected to be pathogenic in the context of mucopolysaccharidosis type II. This variant is predicted to lead to an abnormal or absent protein product due to the creation of a premature termination codon in IDS, a gene where loss-of-function variants are known to be pathogenic. Please note: this variant was assessed in the context of healthy population screening.